The following is an entry in ClinVar:

NC_000007.13:g.(75544498_75583306)_(75615387_75615476)dup

Gene: POR (cytochrome p450 oxidoreductase; plus strand). Cytogenetic location: 7q11.23.
Variant type: Duplication.
Identifiers: ClinVar variation 4526053 (VCV004526053.1).

ClinVar aggregate classification (germline): Uncertain significance (1 of 4 stars; one submission).

Submission:

Women's Health and Genetics/Laboratory Corporation of America, LabCorp
Classification: Uncertain significance. Last evaluated: 2025-07-09. Review status: criteria provided, single submitter. Criteria: LabCorp Variant Classification Summary - May 2015. Collection method: clinical testing. Allele origin: germline.
Comment: Variant summary: The variant involves the duplication of exons 2-14 in the POR gene. A presumed nomenclature of c.(-14+1_-13-1)_(1806+1_1807-1)dup has been designated for the purposes of this classification. It is assumed to be a tandem duplication in direct orientation (PMIDs: 25640679, 30054569). The exact breakpoint at the 5' end of this variant is unknown, therefore this duplication may extend upstream of the annotated region of this gene. It is predicted to duplicate a segment including the initiation codon, therefore its impact on the encoded protein is unknown. A duplication variant which covers exon 2-14 in the POR gene (position: hg19, chrchr7:75583210-75615431; Size: 32,221 bp) was found at a frequency of 6e-05 in 462881 control chromosomes, predominantly at a frequency of 0.0022 within the Ashkenazi Jewish (ASJ) subpopulation in the gnomAD database CNVs v4.1 dataset (zygosity not specified in this dataset). The observed variant frequency within ASJ individuals is higher than the maximal expected allele frequency for a pathogenic variant in POR causing Congenital Adrenal Hyperplasia phenotype (0.00091), however non-classical CAH is more frequent in the ASJ subpopulation (PMID 33518183), and therefore these data might not rule out a potential (likely milder) disease phenotype. To our knowledge, no occurrence of c.(-14+1_-13-1)_(1806+1_1807-1)dup in individuals affected with Congenital Adrenal Hyperplasia and no experimental evidence demonstrating its impact on protein function have been reported. No submitters have cited clinical-significance assessments for this variant to ClinVar. Based on the evidence outlined above, the variant was classified as VUS-possibly benign.